The following is an entry in ClinVar:

NM_002335.4(LRP5):c.4564C>A (p.Pro1522Thr)

Gene: LRP5 (LDL receptor related protein 5; plus strand). Cytogenetic location: 11q13.2.
Variant type: single nucleotide variant.
Coding change: c.4564C>A on transcript NM_002335.4 (MANE Select); coding-DNA position 4564, C replaced by A.
Protein change: p.Pro1522Thr; replaces proline 1522 with threonine.
Molecular consequence: missense variant.
Genome position (GRCh38, 1-based): chr11:68,446,511, C>A. VCF-style: chr11-68446511-C-A. GRCh37 (hg19) VCF-style: chr11-68213979-C-A.
Other names: c.2821C>A, p.Pro941Thr (NM_001291902.2); short protein forms P1522T, P941T.
Identifiers: ClinVar variation 1351134 (VCV001351134.6), dbSNP rs558768735, ClinGen allele CA6150424.
Genomic context (GRCh38, chr11:68,446,511, plus strand): 5'-CCCTCCCCGGCCACGGACCCCTCCCTGTACAACATGGACATGTTCTACTCTTCAAACATT[C>A]CGGCCACTGCGAGACCGTACAGGTAGGACATCCCCTGCAGCCCTCCATGGCCATTGGGTT-3'
Protein context (NP_002326.2, residues 1512-1532): NMDMFYSSNI[Pro1522Thr]ATARPYRPYI

ClinVar aggregate classification (germline): Uncertain significance (1 of 4 stars; one submission).

Allele frequency attached by ClinVar (database versions not stated): gnomAD exomes 0.00001; ExAC 0.00002; TOPMed 0.00002; gnomAD 0.00003; 1000 Genomes Project 30x 0.00016; 1000 Genomes Project 0.00020.
gnomAD v4.1: 5 of 1,614,108 alleles (0.00031%); highest among the groups gnomAD compares: African/African-American, 0.0067%; no homozygotes.

Submission:

Labcorp Genetics (formerly Invitae), Labcorp
Classification: Uncertain significance. Last evaluated: 2024-01-16. Review status: criteria provided, single submitter. Criteria: Invitae Variant Classification Sherloc (09022015). Collection method: clinical testing. Allele origin: germline.
Comment: This sequence change replaces proline, which is neutral and non-polar, with threonine, which is neutral and polar, at codon 1522 of the LRP5 protein (p.Pro1522Thr). This variant is present in population databases (rs558768735, gnomAD 0.01%). This variant has not been reported in the literature in individuals affected with LRP5-related conditions. ClinVar contains an entry for this variant (Variation ID: 1351134). Advanced modeling of protein sequence and biophysical properties (such as structural, functional, and spatial information, amino acid conservation, physicochemical variation, residue mobility, and thermodynamic stability) performed at Invitae indicates that this missense variant is not expected to disrupt LRP5 protein function with a negative predictive value of 95%. In summary, the available evidence is currently insufficient to determine the role of this variant in disease. Therefore, it has been classified as a Variant of Uncertain Significance.